The following is an entry in ClinVar:

ClinVar aggregate classification (germline): Uncertain significance (1 of 4 stars; one submission).

Allele frequency attached by ClinVar (database versions not stated): gnomAD exomes below 0.00001.
gnomAD v4.1: 2 of 1,614,032 alleles (0.00012%); highest among the groups gnomAD compares: Non-Finnish European, 0.00017%; no homozygotes.

Submission:

Labcorp Genetics (formerly Invitae), Labcorp
Classification: Uncertain significance. Last evaluated: 2024-10-29. Review status: criteria provided, single submitter. Criteria: Invitae Variant Classification Sherloc (09022015). Collection method: clinical testing. Allele origin: germline.
Comment: This sequence change replaces threonine, which is neutral and polar, with isoleucine, which is neutral and non-polar, at codon 529 of the WHRN protein (p.Thr529Ile). This variant is not present in population databases (gnomAD no frequency). This variant has not been reported in the literature in individuals affected with WHRN-related conditions. ClinVar contains an entry for this variant (Variation ID: 1970473). An algorithm developed to predict the effect of missense changes on protein structure and function (PolyPhen-2) suggests that this variant is likely to be tolerated. In summary, the available evidence is currently insufficient to determine the role of this variant in disease. Therefore, it has been classified as a Variant of Uncertain Significance.

NM_015404.4(WHRN):c.1586C>T (p.Thr529Ile)

Gene: WHRN (whirlin; minus strand). Cytogenetic location: 9q32.
Variant type: single nucleotide variant.
Coding change: c.1586C>T on transcript NM_015404.4 (MANE Select); coding-DNA position 1586, C replaced by T.
Protein change: p.Thr529Ile; replaces threonine 529 with isoleucine.
Molecular consequence: missense variant.
Genome position (GRCh38, 1-based): chr9:114,423,354, G>A on the plus strand (C>T on the coding strand, the complement: WHRN is on the minus strand). VCF-style: chr9-114423354-G-A. GRCh37 (hg19) VCF-style: chr9-117185634-G-A.
Other names: c.437C>T, p.Thr146Ile (NM_001083885.3); c.1586C>T, p.Thr529Ile (NM_001173425.2); c.533C>T, p.Thr178Ile (NM_001346890.1); short protein forms T146I, T178I, T529I.
Identifiers: ClinVar variation 1970473 (VCV001970473.4), dbSNP rs2491758646, ClinGen allele CA374606960.